The following is an entry in ClinVar:

NM_000059.4(BRCA2):c.1225del (p.Glu409fs)

Gene: BRCA2 (BRCA2 DNA repair associated; plus strand). Cytogenetic location: 13q13.1.
Variant type: Deletion.
Coding change: c.1225del on transcript NM_000059.4 (MANE Select); coding-DNA position 1225, one base deleted (G; older notation c.1225delG).
Protein change: p.Glu409fs; shifts the reading frame from glutamic acid 409.
Molecular consequence: frameshift variant.
Genome position (GRCh38, 1-based): chr13:32,332,703, G deleted; the last of 2 consecutive G bases (chr13:32,332,702-32,332,703); deleting either gives the same sequence. VCF-style (leftmost placement, unchanged base first): chr13-32332701-TG-T. GRCh37 (hg19) VCF-style: chr13-32906838-TG-T.
Other names: 1453delG; c.1225delG (NM_000059.3).
Identifiers: ClinVar variation 51087 (VCV000051087.12), dbSNP rs80359268, ClinGen allele CA011224.

ClinVar aggregate classification (germline): Pathogenic. Review status: reviewed by expert panel (3 of 4 stars). 7 submissions from 7 submitters: Pathogenic (1). 6 of the submissions do not count toward it. Last evaluated 2016-09-08.

Conditions:
Pancreatic cancer, susceptibility to, 2. Identifiers: Orphanet 1333, MedGen C3150546, MONDO:0013235, OMIM 613347.
Glioma susceptibility 3 (GLM3). Also called: Glioblastoma 3. Identifiers: Orphanet 182067, Orphanet 360, MedGen C2751641, MONDO:0013093, OMIM 613029.
Familial prostate cancer. Also called: Hereditary Prostate Cancer. Identifiers: MedGen C2931456, MONDO:0700275, OMIM 176807.
Breast-ovarian cancer, familial, susceptibility to, 2 (BROVCA2). Also called: BRCA2 Hereditary Breast and Ovarian Cancer. Identifiers: Orphanet 145, MedGen C2675520, MONDO:0012933, OMIM 612555. Disease mechanism: loss of function.
Fanconi anemia complementation group D1. Also called: BRCA2-Related Fanconi Anemia. Identifiers: Orphanet 319462, MedGen C1838457, MONDO:0011584, OMIM 605724.
Medulloblastoma (MDB). Also called: Medulloblastoma, somatic; MEDULLOBLASTOMA PREDISPOSITION SYNDROME. Identifiers: Orphanet 616, MedGen C0025149, MeSH D008527, MONDO:0007959, OMIM 155255, HP:0002885.
Wilms tumor 1 (WT1). Also called: Wilms tumor, somatic. Identifiers: Orphanet 654, MedGen CN033288, MONDO:0008679, OMIM 194070.
Familial cancer of breast. Also called: BREAST CANCER, FAMILIAL; hereditary breast carcinoma; Hereditary breast cancer. Identifiers: Orphanet 227535, MedGen C0346153, MONDO:0016419, OMIM 114480. Disease mechanism: loss of function.
Hereditary breast ovarian cancer syndrome. Also called: Breast and ovarian cancer; Hereditary breast and ovarian cancer; Hereditary breast and ovarian cancer syndrome (HBOC); Hereditary breast and ovarian cancer syndrome; BRCA1- and BRCA2-Associated Hereditary Breast and Ovarian Cancer; Hereditary breast and/or ovarian cancer syndrome. Identifiers: Orphanet 145, MedGen C0677776, MeSH D061325, MONDO:0003582. Disease mechanism: loss of function.

Submissions (7):

Evidence-based Network for the Interpretation of Germline Mutant Alleles (ENIGMA)
Classification: Pathogenic for Breast-ovarian cancer, familial, susceptibility to, 2. Last evaluated: 2016-09-08. Review status: reviewed by expert panel. Criteria: ENIGMA BRCA1/2 Classification Criteria (2015). Collection method: curation. Allele origin: germline.
Comment: Variant allele predicted to encode a truncated non-functional protein.

Labcorp Genetics (formerly Invitae), Labcorp
Classification: Pathogenic for Hereditary breast ovarian cancer syndrome. Last evaluated: 2024-07-02. Review status: criteria provided, single submitter. Criteria: Invitae Variant Classification Sherloc (09022015). Collection method: clinical testing. Allele origin: germline. Not counted in ClinVar's aggregate classification.
Comment: This sequence change creates a premature translational stop signal (p.Glu409Argfs*21) in the BRCA2 gene. It is expected to result in an absent or disrupted protein product. Loss-of-function variants in BRCA2 are known to be pathogenic (PMID: 20104584). This variant is not present in population databases (gnomAD no frequency). This premature translational stop signal has been observed in individual(s) with a personal and/or family history of BRCA2-related cancers (PMID: 15131399). This variant is also known as 1453delG. ClinVar contains an entry for this variant (Variation ID: 51087). For these reasons, this variant has been classified as Pathogenic.

Department of Pathology and Laboratory Medicine, Sinai Health System
Classification: Pathogenic for Familial cancer of breast; Medulloblastoma; Familial prostate cancer; Wilms tumor 1; Fanconi anemia complementation group D1; Breast-ovarian cancer, familial, susceptibility to, 2; Glioma susceptibility 3; Pancreatic cancer, susceptibility to, 2. Last evaluated: 2023-02-08. Review status: criteria provided, single submitter. Criteria: ACMG Guidelines, 2015. Collection method: clinical testing. Allele origin: germline. Affected: no. Not counted in ClinVar's aggregate classification.

Consortium of Investigators of Modifiers of BRCA1/2 (CIMBA), c/o University of Cambridge
Classification: Pathogenic for Breast-ovarian cancer, familial, susceptibility to, 2. Last evaluated: 2015-10-02. Review status: criteria provided, single submitter. Criteria: CIMBA Mutation Classification guidelines May 2016. Collection method: clinical testing. Allele origin: germline. Not counted in ClinVar's aggregate classification.

Research Molecular Genetics Laboratory, Women's College Hospital, University of Toronto
Classification: Pathogenic for Hereditary breast ovarian cancer syndrome. Last evaluated: 2014-01-31. Review status: no assertion criteria provided. Collection method: research. Allele origin: germline. Affected: yes. Study: The Canadian Open Genetics Repository (COGR). Not counted in ClinVar's aggregate classification.

Sharing Clinical Reports Project (SCRP)
Classification: Pathogenic for Breast-ovarian cancer, familial 2. Last evaluated: 2013-10-24. Review status: no assertion criteria provided. Collection method: clinical testing. Allele origin: germline. Not counted in ClinVar's aggregate classification.

Breast Cancer Information Core (BIC) (BRCA2)
Classification: Pathogenic for Breast-ovarian cancer, familial 2. Review status: no assertion criteria provided. Collection method: clinical testing. Allele origin: germline. Affected: yes. Observed: 1 variant allele. Not counted in ClinVar's aggregate classification.

Literature cited by the submitters: PubMed 20104584 (cited by Labcorp Genetics (formerly Invitae), Labcorp); PubMed 15131399 (cited by Labcorp Genetics (formerly Invitae), Labcorp and Department of Pathology and Laboratory Medicine, Sinai Health System).